The following is an entry in ClinVar:

NM_001267550.2(TTN):c.68410A>G (p.Lys22804Glu)

Genes: TTN (titin; minus strand), TTN-AS1 (TTN antisense RNA 1; plus strand). Cytogenetic location: 2q31.2.
Variant type: single nucleotide variant.
Coding change: c.68410A>G on transcript NM_001267550.2 (MANE Select); coding-DNA position 68410, A replaced by G.
Protein change: p.Lys22804Glu; replaces lysine 22804 with glutamic acid.
Molecular consequence: missense variant.
Genome position (GRCh38, 1-based): chr2:178,578,105, T>C on the plus strand (A>G on the coding strand, the complement: TTN is on the minus strand). VCF-style: chr2-178578105-T-C. GRCh37 (hg19) VCF-style: chr2-179442832-T-C.
Other names: c.60706A>G, p.Lys20236Glu (NM_133378.4); c.63487A>G, p.Lys21163Glu (NM_001256850.1); c.41215A>G, p.Lys13739Glu (NM_003319.4); c.41590A>G, p.Lys13864Glu (NM_133432.3); c.41791A>G, p.Lys13931Glu (NM_133437.4); short protein forms K22804E, K20236E, K13864E, K13931E, K21163E, K13739E.
Identifiers: ClinVar variation 47267 (VCV000047267.7), dbSNP rs397517677, ClinGen allele CA140515.

ClinVar aggregate classification (germline): Uncertain significance. Review status: criteria provided, multiple submitters, no conflicts (2 of 4 stars). 2 submissions from 2 submitters: Uncertain significance (2). Last evaluated 2024-09-09.

Submissions (2):

Blueprint Genetics
Classification: Uncertain significance. Last evaluated: 2024-09-09. Review status: criteria provided, single submitter. Criteria: ACMG Guidelines, 2015. Collection method: clinical testing. Allele origin: germline.

Laboratory for Molecular Medicine, Mass General Brigham Personalized Medicine
Classification: Uncertain significance. Last evaluated: 2023-05-10. Review status: criteria provided, single submitter. Criteria: ACMG Guidelines, 2015. Collection method: clinical testing. Allele origin: germline.
Comment: This variant has also been reported by other clinical laboratories in ClinVar (Variation ID 47267) and was absent from large population studies. Computational prediction tools and conservation analyses do not provide strong support for or against an impact to the protein. In summary, the clinical significance of this variant is uncertain. ACMG/AMP Criteria applied: PM2_supporting.